The following is an entry in ClinVar:

ClinVar aggregate classification (germline): Benign. Review status: criteria provided, multiple submitters, no conflicts (2 of 4 stars). 3 submissions from 3 submitters: Benign (3). Last evaluated 2026-01-23.

Conditions:
Congenital stromal corneal dystrophy (CSCD). Identifiers: Orphanet 101068, MedGen C1864738, MONDO:0012401, OMIM 610048.

Allele frequency attached by ClinVar (database versions not stated): gnomAD exomes 0.00181 and 0.00477; ExAC 0.00565; gnomAD 0.01636 and 0.01757; ESP Exome Variant Server 0.01853; TOPMed 0.01897; 1000 Genomes Project 0.02037; 1000 Genomes Project 30x 0.02171.
gnomAD v4.1: 5,292 of 1,614,014 alleles (0.33%); highest among the groups gnomAD compares: African/African-American, 5.7%; 129 homozygotes.

Submissions (3):

Labcorp Genetics (formerly Invitae), Labcorp
Classification: Benign. Last evaluated: 2026-01-23. Review status: criteria provided, single submitter. Criteria: Invitae Variant Classification Sherloc (09022015). Collection method: clinical testing. Allele origin: germline.

Illumina Laboratory Services, Illumina
Classification: Benign for Congenital stromal corneal dystrophy. Last evaluated: 2018-01-13. Review status: criteria provided, single submitter. Criteria: ICSL Variant Classification Criteria 13 December 2019. Collection method: clinical testing. Allele origin: germline.
Comment: This variant was observed in the ICSL laboratory as part of a predisposition screen in an ostensibly healthy population. It had not been previously curated by ICSL or reported in the Human Gene Mutation Database (HGMD: prior to June 1st, 2018), and was therefore a candidate for classification through an automated scoring system. Utilizing variant allele frequency, disease prevalence and penetrance estimates, and inheritance mode, an automated score was calculated to assess if this variant is too frequent to cause the disease. Based on the score and internal cut-off values, a variant classified as benign is not then subjected to further curation. The score for this variant resulted in a classification of benign for this disease.

Breakthrough Genomics
Classification: Benign. Review status: criteria provided, single submitter. Criteria: ACMG Guidelines, 2015. Collection method: not provided. Allele origin: germline. Inheritance: Autosomal dominant inheritance. Affected: yes.

NM_001920.5(DCN):c.803C>T (p.Thr268Met)

Gene: DCN (decorin; minus strand). Cytogenetic location: 12q21.33.
Variant type: single nucleotide variant.
Coding change: c.803C>T on transcript NM_001920.5 (MANE Select); coding-DNA position 803, C replaced by T.
Protein change: p.Thr268Met; replaces threonine 268 with methionine.
Molecular consequence: missense variant. On other transcripts: intron variant (2).
Genome position (GRCh38, 1-based): chr12:91,151,736, G>A on the plus strand (C>T on the coding strand, the complement: DCN is on the minus strand). VCF-style: chr12-91151736-G-A. GRCh37 (hg19) VCF-style: chr12-91545513-G-A.
Other names: c.476C>T, p.Thr159Met (NM_133504.3); c.362C>T, p.Thr121Met (NM_133505.3); c.212-5484C>T (NM_133507.3); c.325-5484C>T (NM_133506.3); c.803C>T, p.Thr268Met (NM_133503.4); short protein forms T268M, T121M, T159M.
Identifiers: ClinVar variation 310656 (VCV000310656.14), dbSNP rs3138268, ClinGen allele CA6716944.